The following is an entry in ClinVar:

NM_007294.4(BRCA1):c.564A>C (p.Glu188Asp)

Gene: BRCA1 (BRCA1 DNA repair associated; minus strand). Cytogenetic location: 17q21.31.
Variant type: single nucleotide variant.
Coding change: c.564A>C on transcript NM_007294.4 (MANE Select); coding-DNA position 564, A replaced by C.
Protein change: p.Glu188Asp; replaces glutamic acid 188 with aspartic acid.
Molecular consequence: missense variant. On other transcripts: non-coding transcript variant (1).
Genome position (GRCh38, 1-based): chr17:43,097,273, T>G on the plus strand (A>C on the coding strand, the complement: BRCA1 is on the minus strand). VCF-style: chr17-43097273-T-G. GRCh37 (hg19) VCF-style: chr17-41249290-T-G.
Other names: c.486A>C, p.Glu162Asp (NM_001407653.1, NM_001407657.1, NM_001407658.1 and 9 more transcripts); c.483A>C, p.Glu161Asp (NM_001407659.1, NM_001408413.1, NM_001408416.1 and 3 more transcripts); c.423A>C, p.Glu141Asp (NM_001407944.1, NM_001407945.1, NM_001408410.1 and 43 more transcripts); c.183A>C, p.Glu61Asp (NM_001407959.1, NM_001407960.1, NM_001407963.1 and 1 more transcripts); c.180A>C, p.Glu60Asp (NM_001407962.1); c.420A>C, p.Glu140Asp (NM_001407964.1, NM_001408462.1, NM_001408463.1 and 26 more transcripts); c.564A>C, p.Glu188Asp (NM_001407968.1, NM_001407969.1, NM_001407970.1 and 59 more transcripts); c.561A>C, p.Glu187Asp (NM_001407972.1, NM_001407984.1, NM_001407985.1 and 41 more transcripts); and 4 more; short protein forms E141D, E188D, E143D, E187D, E61D, E117D, E118D, E60D.
Identifiers: ClinVar variation 825873 (VCV000825873.15), dbSNP rs768065826, ClinGen allele CA10600999.

ClinVar aggregate classification (germline): Uncertain significance. Review status: criteria provided, multiple submitters, no conflicts (2 of 4 stars). 2 submissions from 2 submitters: Uncertain significance (2). Last evaluated 2023-07-02.

Conditions:
Hereditary cancer-predisposing syndrome. Also called: Neoplastic Syndromes, Hereditary; Tumor predisposition; Hereditary neoplastic syndrome; Hereditary Cancer Syndrome. Identifiers: Orphanet 140162, MedGen C0027672, MeSH D009386, MONDO:0015356.
Hereditary breast ovarian cancer syndrome. Also called: Hereditary breast and ovarian cancer syndrome; Hereditary breast and ovarian cancer; Hereditary breast and ovarian cancer syndrome (HBOC); Breast and ovarian cancer; Hereditary breast and/or ovarian cancer syndrome; BRCA1- and BRCA2-Associated Hereditary Breast and Ovarian Cancer. Identifiers: Orphanet 145, MedGen C0677776, MeSH D061325, MONDO:0003582. Disease mechanism: loss of function.

Submissions (2):

Labcorp Genetics (formerly Invitae), Labcorp
Classification: Uncertain significance for Hereditary breast ovarian cancer syndrome. Last evaluated: 2023-07-02. Review status: criteria provided, single submitter. Criteria: Invitae Variant Classification Sherloc (09022015). Collection method: clinical testing. Allele origin: germline.
Comment: This variant is not present in population databases (gnomAD no frequency). In summary, the available evidence is currently insufficient to determine the role of this variant in disease. Therefore, it has been classified as a Variant of Uncertain Significance. Advanced modeling of protein sequence and biophysical properties (such as structural, functional, and spatial information, amino acid conservation, physicochemical variation, residue mobility, and thermodynamic stability) has been performed at Invitae for this missense variant, however the output from this modeling did not meet the statistical confidence thresholds required to predict the impact of this variant on BRCA1 protein function. ClinVar contains an entry for this variant (Variation ID: 825873). This variant has not been reported in the literature in individuals affected with BRCA1-related conditions. This sequence change replaces glutamic acid, which is acidic and polar, with aspartic acid, which is acidic and polar, at codon 188 of the BRCA1 protein (p.Glu188Asp).

Ambry Genetics
Classification: Uncertain significance for Hereditary cancer-predisposing syndrome. Last evaluated: 2019-05-02. Review status: criteria provided, single submitter. Criteria: Ambry Variant Classification Scheme 2023. Collection method: clinical testing. Allele origin: germline.
Comment: The p.E188D variant (also known as c.564A>C), located in coding exon 7 of the BRCA1 gene, results from an A to C substitution at nucleotide position 564. The glutamic acid at codon 188 is replaced by aspartic acid, an amino acid with highly similar properties. This amino acid position is highly conserved in available vertebrate species. In addition, this alteration is predicted to be deleterious by in silico analysis. Since supporting evidence is limited at this time, the clinical significance of this alteration remains unclear.